The following is an entry in ClinVar:

NM_005612.5(REST):c.322A>G (p.Asn108Asp)

Gene: REST (RE1 silencing transcription factor; plus strand). Cytogenetic location: 4q12.
Variant type: single nucleotide variant.
Coding change: c.322A>G on transcript NM_005612.5 (MANE Select); coding-DNA position 322, A replaced by G.
Protein change: p.Asn108Asp; replaces asparagine 108 with aspartic acid.
Molecular consequence: missense variant.
Genome position (GRCh38, 1-based): chr4:56,910,960, A>G. VCF-style: chr4-56910960-A-G. GRCh37 (hg19) VCF-style: chr4-57777126-A-G.
Other names: c.322A>G, p.Asn108Asp (NM_001193508.2, NM_001363453.3); short protein forms N108D.
Identifiers: ClinVar variation 2715539 (VCV002715539.3), dbSNP rs2475798542, ClinGen allele CA357003365.
Genomic context (GRCh38, chr4:56,910,960, plus strand): 5'-GAAGAAGGAGAAGGACTTGAAGAGTCTGCTGATATAAAAGGTGAACCTCATGGACTGGAA[A>G]ACATGGAACTGAGAAGTTTGGAACTCAGCGTCGTAGAACCTCAGCCTGTATTTGAGGCAT-3'
Protein context (NP_005603.3, residues 98-118): DIKGEPHGLE[Asn108Asp]MELRSLELSV

ClinVar aggregate classification (germline): Uncertain significance (1 of 4 stars; one submission).

Submission:

Labcorp Genetics (formerly Invitae), Labcorp
Classification: Uncertain significance. Last evaluated: 2023-10-26. Review status: criteria provided, single submitter. Criteria: Invitae Variant Classification Sherloc (09022015). Collection method: clinical testing. Allele origin: germline.
Comment: This sequence change replaces asparagine, which is neutral and polar, with aspartic acid, which is acidic and polar, at codon 108 of the REST protein (p.Asn108Asp). This variant is not present in population databases (gnomAD no frequency). This variant has not been reported in the literature in individuals affected with REST-related conditions. An algorithm developed to predict the effect of missense changes on protein structure and function (PolyPhen-2) suggests that this variant is likely to be tolerated. In summary, the available evidence is currently insufficient to determine the role of this variant in disease. Therefore, it has been classified as a Variant of Uncertain Significance.